The following is an entry in ClinVar:

NM_001127255.2(NLRP7):c.1196G>A (p.Cys399Tyr)

Gene: NLRP7 (NLR family pyrin domain containing 7; minus strand). Cytogenetic location: 19q13.42.
Variant type: single nucleotide variant.
Coding change: c.1196G>A on transcript NM_001127255.2 (MANE Select); coding-DNA position 1196, G replaced by A.
Protein change: p.Cys399Tyr; replaces cysteine 399 with tyrosine.
Molecular consequence: missense variant.
Genome position (GRCh38, 1-based): chr19:54,939,623, C>T on the plus strand (G>A on the coding strand, the complement: NLRP7 is on the minus strand). VCF-style: chr19-54939623-C-T. GRCh37 (hg19) VCF-style: chr19-55450991-C-T.
Other names: c.1196G>A, p.Cys399Tyr (NM_001405531.1, NM_139176.4, NM_206828.4); short protein forms C399Y.
Identifiers: ClinVar variation 97717 (VCV000097717.8), dbSNP rs104895510, ClinGen allele CA149951.

ClinVar aggregate classification (germline): Uncertain significance. Review status: criteria provided, multiple submitters, no conflicts (2 of 4 stars). 3 submissions from 3 submitters: Uncertain significance (2). 1 of the submissions does not count toward it. Last evaluated 2023-04-25.

Conditions:
Hydatidiform mole, recurrent, 1 (HYDM1). Identifiers: Orphanet 254688, Orphanet 99927, MedGen C3463897, MONDO:0009273, OMIM 231090. Disease mechanism: loss of function.

Allele frequency attached by ClinVar (database versions not stated): gnomAD exomes 0.00032 and 0.00047; gnomAD 0.00034 and 0.00036; TOPMed 0.00041; ExAC 0.00052.
gnomAD v4.1: 521 of 1,610,836 alleles (0.032%); highest among the groups gnomAD compares: Middle Eastern, 0.28%; no homozygotes.

Submissions (3):

Department of Pathology and Laboratory Medicine, Sinai Health System
Classification: Uncertain significance for Hydatidiform mole, recurrent, 1. Last evaluated: 2023-04-25. Review status: criteria provided, single submitter. Criteria: ACMG Guidelines, 2015. Collection method: research. Allele origin: germline.

Illumina Laboratory Services, Illumina
Classification: Uncertain significance for Hydatidiform mole, recurrent, 1. Last evaluated: 2017-04-28. Review status: criteria provided, single submitter. Criteria: ICSL Variant Classification Criteria 13 December 2019. Collection method: clinical testing. Allele origin: germline.
Comment: This variant was observed as part of a predisposition screen in an ostensibly healthy population. A literature search was performed for the gene, cDNA change, and amino acid change (where applicable). Publications were found based on this search. However, the evidence from the literature, in combination with allele frequency data from public databases where available, was not sufficient to rule this variant in or out of causing disease. Therefore, this variant is classified as a variant of unknown significance.

Unité médicale des maladies autoinflammatoires, CHRU Montpellier
No classification provided. Condition: Hydatidiform mole. Review status: no classification provided. Collection method: not provided. Allele origin: unknown. Not counted in ClinVar's aggregate classification.

Literature cited by the submitters: PubMed 19066229 (cited by Illumina Laboratory Services, Illumina); PubMed 24137163 (cited by Illumina Laboratory Services, Illumina); PubMed 24533231 (cited by Illumina Laboratory Services, Illumina); PubMed 21659348 (cited by Illumina Laboratory Services, Illumina).